The following is an entry in ClinVar:

ClinVar aggregate classification (germline): Likely pathogenic. Review status: criteria provided, multiple submitters, no conflicts (2 of 4 stars). 2 submissions from 2 submitters: Likely pathogenic (2). Last evaluated 2024-04-10.

Conditions:
Familial hypokalemia-hypomagnesemia (GTLMNS). Also called: HYPOMAGNESEMIA-HYPOKALEMIA, PRIMARY RENOTUBULAR, WITH HYPOCALCIURIA; POTASSIUM AND MAGNESIUM DEPLETION; gitelman syndrome. Identifiers: Orphanet 358, MedGen C0268450, MONDO:0009904, OMIM 263800.

Allele frequency attached by ClinVar (database versions not stated): gnomAD exomes 0.00001.
gnomAD v4.1: 6 of 1,230,814 alleles (0.00049%); highest among the groups gnomAD compares: Admixed American, 0.0086%; no homozygotes.

Submissions (2):

Fulgent Genetics
Classification: Likely pathogenic for Familial hypokalemia-hypomagnesemia. Last evaluated: 2024-04-10. Review status: criteria provided, single submitter. Criteria: ACMG Guidelines, 2015. Collection method: clinical testing. Allele origin: germline.

European Hospital Georges Pompidou Genetics Department, Assistance Publique - Hôpitaux de Paris AP-HP
Classification: Likely pathogenic for Familial hypokalemia-hypomagnesemia. Last evaluated: 2022-04-27. Review status: criteria provided, single submitter. Criteria: ACMG Guidelines, 2015. Collection method: clinical testing, in vitro. Allele origin: germline. Affected: yes.
Comment: ACMG criteria used:PS3 PM2 PP3

NM_001126108.2(SLC12A3):c.2037+87A>G

Gene: SLC12A3 (solute carrier family 12 member 3; plus strand). Cytogenetic location: 16q13.
Variant type: single nucleotide variant.
Coding change: c.2037+87A>G on transcript NM_001126108.2 (MANE Select); 87 bases into the intron after coding-DNA position 2037, A replaced by G.
Molecular consequence: intron variant.
Genome position (GRCh38, 1-based): chr16:56,886,562, A>G. VCF-style: chr16-56886562-A-G. GRCh37 (hg19) VCF-style: chr16-56920474-A-G.
Other names: c.2037+87A>G (NM_000339.3); c.2034+87A>G (NM_001126107.2).
Identifiers: ClinVar variation 1684170 (VCV001684170.3), dbSNP rs1456555803, ClinGen allele CA2224357289.